The following is an entry in ClinVar:

NM_032271.3(TRAF7):c.1783C>G (p.Leu595Val)

Gene: TRAF7 (TNF receptor associated factor 7; plus strand). Cytogenetic location: 16p13.3.
Variant type: single nucleotide variant.
Coding change: c.1783C>G on transcript NM_032271.3 (MANE Select); coding-DNA position 1783, C replaced by G.
Protein change: p.Leu595Val; replaces leucine 595 with valine.
Molecular consequence: missense variant.
Genome position (GRCh38, 1-based): chr16:2,176,085, C>G. VCF-style: chr16-2176085-C-G. GRCh37 (hg19) VCF-style: chr16-2226086-C-G.
Other names: c.1783C>G (NM_032271.2); short protein forms L595V.
Identifiers: ClinVar variation 1698784 (VCV001698784.3), dbSNP rs2141298490, ClinGen allele CA394335306.

ClinVar aggregate classification (germline): Likely pathogenic. Review status: criteria provided, multiple submitters, no conflicts (2 of 4 stars). 2 submissions from 2 submitters: Likely pathogenic (2). Last evaluated 2021-09-22.

Conditions:
Cardiac, facial, and digital anomalies with developmental delay. Identifiers: Orphanet 592570, MedGen C4748484, MONDO:0032572, OMIM 618164.

Submissions (2):

Genetics and Molecular Pathology, SA Pathology
Classification: Likely pathogenic for Cardiac, facial, and digital anomalies with developmental delay. Last evaluated: 2021-09-22. Review status: criteria provided, single submitter. Criteria: ACMG Guidelines, 2015. Collection method: clinical testing. Allele origin: germline. Affected: yes.
Comment: The TRAF7 c.1783C>G variant is classified as LIKELY PATHOGENIC (PM1, PM2, PP3, PP4) The TRAF7 c.1783C>G variant is a single nucleotide change in exon 19/21 of the TRAF7 gene, which is predicted to change the amino acid leucine at position 595 in the protein to valine. This variant is absent from population databases (PM2). This variant has not been reported in dbSNP. The clinical features of this case are highly specific for TRAF7 (PP4). This variant has not been reported in human disease databases (absent from ClinVar). This variant has not been reported in HGMD or the literature. Computational predictions support a deleterious effect on the gene or gene product (PP3). The gene is constraint for missense variants, missense variants are a common mechanism of disease and the variant is located in one of the protein's functionally significant WD40 domains (PM1) (PMID: 29961569).

Clinical Genetics Service, Universitary Hospital 12 de Octubre
Classification: Likely pathogenic for Cardiac, facial, and digital anomalies with developmental delay. Review status: criteria provided, single submitter. Criteria: ACMG Guidelines, 2015. Collection method: clinical testing. Allele origin: de novo. Affected: yes.

Literature cited by the submitters: PubMed 29961569 (cited by Genetics and Molecular Pathology, SA Pathology).